The following is an entry in ClinVar:

ClinVar aggregate classification (germline): Uncertain significance (1 of 4 stars; one submission).

Conditions:
Neuronal ceroid lipofuscinosis. Also called: Neuronal Ceroid Lipofuscinoses. Identifiers: Orphanet 216, Orphanet 79263, MedGen C0027877, MONDO:0016295. Disease mechanism: loss of function.

Allele frequency attached by ClinVar (database versions not stated): TOPMed below 0.00001; ExAC 0.00001; gnomAD 0.00001.

Submission:

Labcorp Genetics (formerly Invitae), Labcorp
Classification: Uncertain significance for Neuronal ceroid lipofuscinosis. Last evaluated: 2021-08-04. Review status: criteria provided, single submitter. Criteria: Invitae Variant Classification Sherloc (09022015). Collection method: clinical testing. Allele origin: germline.
Comment: This sequence change replaces glycine with serine at codon 65 of the CLN5 protein (p.Gly65Ser). The glycine residue is weakly conserved and there is a small physicochemical difference between glycine and serine. This variant is present in population databases (rs760626879, ExAC 0.02%). This variant has not been reported in the literature in individuals affected with CLN5-related conditions. Algorithms developed to predict the effect of missense changes on protein structure and function are either unavailable or do not agree on the potential impact of this missense change (SIFT: "Tolerated"; PolyPhen-2: "Probably Damaging"; Align-GVGD: "Class C0"). In summary, the available evidence is currently insufficient to determine the role of this variant in disease. Therefore, it has been classified as a Variant of Uncertain Significance.

NM_006493.4(CLN5):c.46G>A (p.Gly16Ser)

Genes: CLN5 (CLN5 lysosomal BMP synthase; plus strand), LOC130009913 (ATAC-STARR-seq lymphoblastoid silent region 5414; plus strand). Cytogenetic location: 13q22.3.
Variant type: single nucleotide variant.
Coding change: c.46G>A on transcript NM_006493.4 (MANE Select); coding-DNA position 46, G replaced by A.
Protein change: p.Gly16Ser; replaces glycine 16 with serine.
Molecular consequence: missense variant.
Genome position (GRCh38, 1-based): chr13:76,992,144, G>A. VCF-style: chr13-76992144-G-A. GRCh37 (hg19) VCF-style: chr13-77566279-G-A.
Other names: c.46G>A, p.Gly16Ser (NM_001366624.2); short protein forms G16S, G65S.
Identifiers: ClinVar variation 2157365 (VCV002157365.1), dbSNP rs760626879, ClinGen allele CA7007116.